The following is an entry in ClinVar:

ClinVar aggregate classification (germline): Likely benign. Review status: criteria provided, multiple submitters, no conflicts (2 of 4 stars). 2 submissions from 2 submitters: Likely benign (2). Last evaluated 2024-01-09.

Allele frequency attached by ClinVar (database versions not stated): ExAC 0.00006.
gnomAD v4.1: 105 of 1,613,436 alleles (0.0065%); highest among the groups gnomAD compares: Middle Eastern, 0.016%; no homozygotes.

Submissions (2):

Blueprint Genetics
Classification: Likely benign. Last evaluated: 2024-01-09. Review status: criteria provided, single submitter. Criteria: ACMG Guidelines, 2015. Collection method: clinical testing. Allele origin: germline.

CeGaT Center for Human Genetics Tuebingen
Classification: Likely benign. Last evaluated: 2023-04-01. Review status: criteria provided, single submitter. Criteria: CeGaT Center For Human Genetics Tuebingen Variant Classification Criteria Version 2. Collection method: clinical testing. Allele origin: germline. Affected: yes. Observed: 1 variant allele.
Comment: GNAO1: BP4, BP7

NM_020988.3(GNAO1):c.723+6925C>T

Gene: GNAO1 (G protein subunit alpha o1; plus strand). Cytogenetic location: 16q13.
Variant type: single nucleotide variant.
Coding change: c.723+6925C>T on transcript NM_020988.3 (MANE Select); 6925 bases into the intron after coding-DNA position 723, C replaced by T.
Molecular consequence: intron variant. On other transcripts: synonymous variant (1).
Genome position (GRCh38, 1-based): chr16:56,343,785, C>T. VCF-style: chr16-56343785-C-T. GRCh37 (hg19) VCF-style: chr16-56377697-C-T.
Other names: c.900C>T, p.Ala300= (NM_138736.3).
Identifiers: ClinVar variation 2646542 (VCV002646542.25), dbSNP rs376160640, ClinGen allele CA8063919.